The following is an entry in ClinVar:

ClinVar aggregate classification (germline): Uncertain significance. Review status: criteria provided, multiple submitters, no conflicts (2 of 4 stars). 3 submissions from 3 submitters: Uncertain significance (3). Last evaluated 2024-06-17.

Submissions (3):

Blueprint Genetics
Classification: Uncertain significance. Last evaluated: 2024-06-17. Review status: criteria provided, single submitter. Criteria: ACMG Guidelines, 2015. Collection method: clinical testing. Allele origin: germline.

Ambry Genetics
Classification: Uncertain significance. Last evaluated: 2022-07-13. Review status: criteria provided, single submitter. Criteria: Ambry Variant Classification Scheme 2023. Collection method: clinical testing. Allele origin: germline.
Comment: The c.1819_1821delAAG (p.K607del) alteration is located in exon 15 (coding exon 14) of the KARS gene. This alteration consists of an in-frame deletion of 3 nucleotides between nucleotide positions c.1819 and c.1821, resulting in the deletion of 1 residue. Based on insufficient or conflicting evidence, the clinical significance of this alteration remains unclear.

Laboratory for Molecular Medicine, Mass General Brigham Personalized Medicine
Classification: Uncertain significance. Last evaluated: 2020-03-16. Review status: criteria provided, single submitter. Criteria: LMM Criteria. Collection method: clinical testing. Allele origin: germline. Observed: 1 variant allele.
Comment: The p.Lys607del variant in KARS has not been previously reported in individuals with hearing loss but has been identified in 0.01% (16/113534) of European chromosomes by gnomAD. This variant is a deletion of 1 amino acid at position 607 and is not predicted to alter the protein reading-frame. It is unclear if this deletion will impact the protein. In summary, the clinical significance of this variant is uncertain. ACMG/AMP Criteria applied: PM2_Supporting, PM4_Supporting.

NM_005548.3(KARS1):c.1732AAG[1] (p.Lys579del)

Gene: KARS1 (lysyl-tRNA synthetase 1; minus strand). Cytogenetic location: 16q23.1.
Variant type: Microsatellite.
Coding change: c.1732AAG[1] on transcript NM_005548.3 (MANE Select); one copy of the 3-base unit AAG starting at c.1732; the reference has two copies in a row; one copy, 3 bases deleted.
Protein change: p.Lys579del; deletes lysine 579.
Molecular consequence: inframe deletion.
Genome position (GRCh38, 1-based): chr16:75,627,952-75,627,954, CTT deleted on the plus strand (AAG on the coding strand, the reverse complement: KARS1 is on the minus strand); deleting any 3 consecutive bases within chr16:75,627,952-75,627,957 gives the same sequence; the position shown is the placement nearest the transcript's 3' end. VCF-style (leftmost placement, unchanged base first): chr16-75627951-CCTT-C. GRCh37 (hg19) VCF-style: chr16-75661849-CCTT-C.
Other names: c.1816AAG[1], p.Lys607del (NM_001130089.2); c.1264AAG[1], p.Lys423del (NM_001378148.1); c.1819_1821delAAG (NM_001130089.1); short protein forms K423del, K607del, K579del.
Identifiers: ClinVar variation 930074 (VCV000930074.6), dbSNP rs753346124, ClinGen allele CA8177130.